The following is an entry in ClinVar:

NM_006005.3(WFS1):c.2432A>G (p.Lys811Arg)

Gene: WFS1 (wolframin ER transmembrane glycoprotein; plus strand). Cytogenetic location: 4p16.1.
Variant type: single nucleotide variant.
Coding change: c.2432A>G on transcript NM_006005.3 (MANE Select); coding-DNA position 2432, A replaced by G.
Protein change: p.Lys811Arg; replaces lysine 811 with arginine.
Molecular consequence: missense variant.
Genome position (GRCh38, 1-based): chr4:6,302,227, A>G. VCF-style: chr4-6302227-A-G. GRCh37 (hg19) VCF-style: chr4-6303954-A-G.
Other names: c.2432A>G, p.Lys811Arg (NM_001145853.1); short protein forms K811R.
Identifiers: ClinVar variation 1160733 (VCV001160733.14), dbSNP rs557048986, ClinGen allele CA2839734.

ClinVar aggregate classification (germline): Conflicting classifications of pathogenicity. Review status: criteria provided, conflicting classifications (1 of 4 stars). 5 submissions from 5 submitters: Uncertain significance (4); Likely benign (1). Last evaluated 2026-09-04.

Conditions:
Cataract 41 (CTRCT41). Also called: CATARACT 41, CONGENITAL NUCLEAR TYPE. Identifiers: Orphanet 91492, Orphanet 98991, Orphanet 98992, Orphanet 98995, MedGen C3805412, MONDO:0007287, OMIM 116400.
Autosomal dominant nonsyndromic hearing loss 6 (LFSNHL). Also called: DEAFNESS, AUTOSOMAL DOMINANT 6; DEAFNESS, AUTOSOMAL DOMINANT 14; DEAFNESS, AUTOSOMAL DOMINANT 38; Autosomal dominant nonsyndromic deafness 6. Identifiers: Orphanet 90635, MedGen C1833021, MONDO:0010963, OMIM 600965.
Type 2 diabetes mellitus. Also called: Type II diabetes mellitus. Identifiers: MedGen C0011860, MeSH D003924, MONDO:0005148, OMIM 125853, HP:0005978.
Wolfram-like syndrome. Also called: HEARING LOSS, PROGRESSIVE, WITH OPTIC ATROPHY AND/OR IMPAIRED GLUCOSE REGULATION. Identifiers: Orphanet 411590, MedGen C3280358, MONDO:0013673, OMIM 614296.
Wolfram syndrome 1 (WFS1). Identifiers: Orphanet 3463, MedGen C4551693, MONDO:0009101, OMIM 222300.
Inborn genetic diseases. Identifiers: MedGen C0950123, MeSH D030342.

Allele frequency attached by ClinVar (database versions not stated): ExAC 0.00008.
gnomAD v4.1: 47 of 1,609,954 alleles (0.0029%); highest among the groups gnomAD compares: Admixed American, 0.067%; no homozygotes.

Submissions (5):

GeneDx
Classification: Uncertain significance. Last evaluated: 2026-09-04. Review status: criteria provided, single submitter. Criteria: GeneDx Variant Classification Process June 2021. Collection method: clinical testing. Allele origin: germline.
Comment: Has not been previously published as pathogenic or benign to our knowledge; In silico analysis suggests that this missense variant does not alter protein structure/function

Fulgent Genetics
Classification: Uncertain significance for Cataract 41; Type 2 diabetes mellitus; Wolfram syndrome 1; Autosomal dominant nonsyndromic hearing loss 6; Wolfram-like syndrome. Last evaluated: 2024-01-05. Review status: criteria provided, single submitter. Criteria: ACMG Guidelines, 2015. Collection method: clinical testing. Allele origin: germline.

Labcorp Genetics (formerly Invitae), Labcorp
Classification: Likely benign. Last evaluated: 2024-01-03. Review status: criteria provided, single submitter. Criteria: Invitae Variant Classification Sherloc (09022015). Collection method: clinical testing. Allele origin: germline.

Ambry Genetics
Classification: Uncertain significance for Inborn genetic diseases. Last evaluated: 2023-08-22. Review status: criteria provided, single submitter. Criteria: Ambry Variant Classification Scheme 2023. Collection method: clinical testing. Allele origin: germline.

Blueprint Genetics
Classification: Uncertain significance. Last evaluated: 2022-12-01. Review status: criteria provided, single submitter. Criteria: ACMG Guidelines, 2015. Collection method: clinical testing. Allele origin: germline.